The following is an entry in ClinVar:

ClinVar aggregate classification (germline): Uncertain significance. Review status: criteria provided, multiple submitters, no conflicts (2 of 4 stars). 3 submissions from 3 submitters: Uncertain significance (2). 1 of the submissions does not count toward it. Last evaluated 2025-02-10.

Conditions:
Gaucher disease type I (GD1). Also called: GD 1; GAUCHER DISEASE, NONCEREBRAL JUVENILE; GBA DEFICIENCY; GD I; GLUCOCEREBROSIDASE DEFICIENCY; ACID BETA-GLUCOSIDASE DEFICIENCY. Identifiers: Orphanet 355, Orphanet 77259, MedGen C1961835, MONDO:0009265, OMIM 230800.

Submissions (3):

Women's Health and Genetics/Laboratory Corporation of America, LabCorp
Classification: Uncertain significance. Last evaluated: 2025-02-10. Review status: criteria provided, single submitter. Criteria: LabCorp Variant Classification Summary - May 2015. Collection method: clinical testing. Allele origin: germline.
Comment: Variant summary: GBA1 c.1043C>T (p.Ala348Val) results in a non-conservative amino acid change located in the Glycosyl hydrolase family 30 TIM-barrel domain (IPR033453) of the encoded protein sequence. Five of five in-silico tools predict a damaging effect of the variant on protein function. The variant was absent in 282872 control chromosomes. The available data on variant occurrences in the general population are insufficient to allow any conclusion about variant significance. c.1043C>T has been reported in the literature in individuals affected with Gaucher Disease and Parkinsons Disease (Latham_1991, Blauwendraat_2018). These data do not allow any conclusion about variant significance. To our knowledge, no experimental evidence demonstrating an impact on protein function has been reported. The following publications have been ascertained in the context of this evaluation (PMID: 30302829, 1899336). ClinVar contains an entry for this variant (Variation ID: 4316). Based on the evidence outlined above, the variant was classified as uncertain significance.

Revvity Omics, Revvity
Classification: Uncertain significance. Last evaluated: 2024-03-04. Review status: criteria provided, single submitter. Criteria: ACMG Guidelines, 2015. Collection method: clinical testing. Allele origin: germline.

OMIM
Classification: Pathogenic for GAUCHER DISEASE, TYPE I. Last evaluated: 1990-07-01. Review status: no assertion criteria provided. Collection method: literature only. Allele origin: germline. Not counted in ClinVar's aggregate classification.

Literature cited by the submitters: PubMed 1899336 (cited by Women's Health and Genetics/Laboratory Corporation of America, LabCorp); PubMed 30302829 (cited by Women's Health and Genetics/Laboratory Corporation of America, LabCorp); PubMed 2349952 (cited by OMIM).

NM_000157.4(GBA1):c.1043C>T (p.Ala348Val)

Genes: GBA1 (glucosylceramidase beta 1; minus strand), LOC106627981 (GBA recombination region; plus strand). Cytogenetic location: 1q22.
Variant type: single nucleotide variant.
Coding change: c.1043C>T on transcript NM_000157.4 (MANE Select); coding-DNA position 1043, C replaced by T.
Protein change: p.Ala348Val; replaces alanine 348 with valine.
Molecular consequence: missense variant.
Genome position (GRCh38, 1-based): chr1:155,236,426, G>A on the plus strand (C>T on the coding strand, the complement: GBA1 is on the minus strand). VCF-style: chr1-155236426-G-A. GRCh37 (hg19) VCF-style: chr1-155206217-G-A.
Other names: A309V; c.1043C>T, p.Ala348Val (NM_001005741.3, NM_001005742.3); c.782C>T, p.Ala261Val (NM_001171811.2); c.896C>T, p.Ala299Val (NM_001171812.2); short protein forms A348V, A299V, A261V.
Identifiers: ClinVar variation 4316 (VCV000004316.4), dbSNP rs78396650, ClinGen allele CA253090.